The following is an entry in ClinVar:

NM_001009944.3(PKD1):c.2829C>G (p.Ala943=)

Gene: PKD1 (polycystin 1, transient receptor potential channel interacting; minus strand). Cytogenetic location: 16p13.3.
Variant type: single nucleotide variant.
Coding change: c.2829C>G on transcript NM_001009944.3 (MANE Select); coding-DNA position 2829, C replaced by G.
Protein change: p.Ala943=; no amino-acid change (alanine 943 retained).
Molecular consequence: synonymous variant.
Genome position (GRCh38, 1-based): chr16:2,114,194, G>C on the plus strand (C>G on the coding strand, the complement: PKD1 is on the minus strand). VCF-style: chr16-2114194-G-C. GRCh37 (hg19) VCF-style: chr16-2164195-G-C.
Other names: c.2829C>G, p.Ala943= (NM_000296.4).
Identifiers: ClinVar variation 2571760 (VCV002571760.1), dbSNP rs138451801, ClinGen allele CA7833081.

ClinVar aggregate classification (germline): Uncertain significance (1 of 4 stars; one submission).

Allele frequency attached by ClinVar (database versions not stated): ExAC 0.00003; TOPMed 0.00005; ESP Exome Variant Server 0.00008; gnomAD 0.00010.

Submission:

GeneDx
Classification: Uncertain significance. Last evaluated: 2023-01-10. Review status: criteria provided, single submitter. Criteria: GeneDx Variant Classification Process June 2021. Collection method: clinical testing. Allele origin: germline. Affected: yes.
Comment: In silico analysis supports that this variant does not alter splicing; Has not been previously published as pathogenic or benign to our knowledge